The following is an entry in ClinVar:

NM_001080.3(ALDH5A1):c.1478A>G (p.Asn493Ser)

Gene: ALDH5A1 (aldehyde dehydrogenase 5 family member A1; plus strand). Cytogenetic location: 6p22.3.
Variant type: single nucleotide variant.
Coding change: c.1478A>G on transcript NM_001080.3 (MANE Select); coding-DNA position 1478, A replaced by G.
Protein change: p.Asn493Ser; replaces asparagine 493 with serine.
Molecular consequence: missense variant.
Genome position (GRCh38, 1-based): chr6:24,533,582, A>G. VCF-style: chr6-24533582-A-G. GRCh37 (hg19) VCF-style: chr6-24533810-A-G.
Other names: c.1334A>G, p.Asn445Ser (NM_001368954.1); c.1517A>G, p.Asn506Ser (NM_170740.1); short protein forms N506S, N493S, N445S.
Identifiers: ClinVar variation 529487 (VCV000529487.5), dbSNP rs776978579, ClinGen allele CA3656958.
Genomic context (GRCh38, chr6:24,533,582, plus strand): 5'-AAGACCCAGCCCAGATCTGGAGAGTGGCAGAGCAGCTGGAAGTGGGCATGGTTGGCGTCA[A>G]CGAAGGATTAATTTCCTCTGTGGAGTGCCCTTTTGGTGGAGTGAAGCAGTCCGGCCTTGG-3'
Protein context (NP_001071.1, residues 483-503): EQLEVGMVGV[Asn493Ser]EGLISSVECP

ClinVar aggregate classification (germline): Conflicting classifications of pathogenicity. Review status: criteria provided, conflicting classifications (1 of 4 stars). 2 submissions from 2 submitters: Likely pathogenic (1); Uncertain significance (1). Last evaluated 2021-03-08.

Conditions:
Succinate-semialdehyde dehydrogenase deficiency (SSADHD). Also called: GABA METABOLIC DEFECT; 4-HYDROXYBUTYRIC ACIDURIA; SSADH DEFICIENCY; Succinic Semialdehyde Dehydrogenase Deficiency. Identifiers: Orphanet 22, MedGen C0268631, MONDO:0010083, OMIM 271980.

Allele frequency attached by ClinVar (database versions not stated): ExAC 0.00001; gnomAD exomes 0.00001.
gnomAD v4.1: 12 of 1,614,166 alleles (0.00074%); highest among the groups gnomAD compares: Non-Finnish European, 0.001%; no homozygotes.

Submissions (2):

Elsea Laboratory, Baylor College of Medicine
Classification: Likely pathogenic for Succinate-semialdehyde dehydrogenase deficiency. Last evaluated: 2021-03-08. Review status: criteria provided, single submitter. Criteria: Martin et al. (J Child Neurol. 2021). Collection method: curation. Allele origin: germline. Affected: yes.
Comment: catalytic domain; deficient enzyme activity

Labcorp Genetics (formerly Invitae), Labcorp
Classification: Uncertain significance for Succinate-semialdehyde dehydrogenase deficiency. Last evaluated: 2017-10-12. Review status: criteria provided, single submitter. Criteria: Invitae Variant Classification Sherloc (09022015). Collection method: clinical testing. Allele origin: germline.
Comment: This sequence change replaces asparagine with serine at codon 493 of the ALDH5A1 protein (p.Asn493Ser). The asparagine residue is highly conserved and there is a small physicochemical difference between asparagine and serine. This variant is present in population databases (rs776978579, ExAC 0.001%). This variant has not been reported in the literature in individuals with ALDH5A1-related disease. Algorithms developed to predict the effect of missense changes on protein structure and function do not agree on the potential impact of this missense change (SIFT: "Deleterious"; PolyPhen-2: "Probably Damaging"; Align-GVGD: "Class C0"). In summary, the available evidence is currently insufficient to determine the role of this variant in disease. Therefore, it has been classified as a Variant of Uncertain Significance.

Literature cited by the submitters: PubMed 32402538 (cited by Elsea Laboratory, Baylor College of Medicine); PubMed 33203024 (cited by Elsea Laboratory, Baylor College of Medicine).